The following is an entry in ClinVar:

NM_007078.3(LDB3):c.73A>G (p.Met25Val)

Gene: LDB3 (LIM domain binding 3; plus strand). Cytogenetic location: 10q23.2.
Variant type: single nucleotide variant.
Coding change: c.73A>G on transcript NM_007078.3 (MANE Select); coding-DNA position 73, A replaced by G.
Protein change: p.Met25Val; replaces methionine 25 with valine.
Molecular consequence: missense variant.
Genome position (GRCh38, 1-based): chr10:86,668,764, A>G. VCF-style: chr10-86668764-A-G. GRCh37 (hg19) VCF-style: chr10-88428521-A-G.
Other names: c.73A>G, p.Met25Val (NM_001080114.2, NM_001080115.2, NM_001080116.1 and 8 more transcripts); short protein forms M25V.
Identifiers: ClinVar variation 3866768 (VCV003866768.1).
Genomic context (GRCh38, chr10:86,668,764, plus strand): 5'-GTGACCCTGACTGGGCCCGGGCCCTGGGGCTTCCGTCTGCAGGGGGGCAAGGACTTCAAC[A>G]TGCCCCTCACTATCTCCCGGGTGAGTGCACCCTGCCACAGCCTGGCACCCGATGGGGCAG-3'
Protein context (NP_009009.1, residues 15-35): FRLQGGKDFN[Met25Val]PLTISRITPG

ClinVar aggregate classification (germline): Uncertain significance (1 of 4 stars; one submission).

Conditions:
Cardiovascular phenotype. Identifiers: MedGen CN230736.

gnomAD v4.1: 2 of 1,612,856 alleles (0.00012%); highest among the groups gnomAD compares: Non-Finnish European, 0.00017%; no homozygotes.

Submission:

Ambry Genetics
Classification: Uncertain significance for Cardiovascular phenotype. Last evaluated: 2024-12-14. Review status: criteria provided, single submitter. Criteria: Ambry Variant Classification Scheme 2023. Collection method: clinical testing. Allele origin: germline.
Comment: The p.M25V variant (also known as c.73A>G), located in coding exon 1 of the LDB3 gene, results from an A to G substitution at nucleotide position 73. The methionine at codon 25 is replaced by valine, an amino acid with highly similar properties. This amino acid position is conserved. In addition, the in silico prediction for this alteration is inconclusive. Based on the available evidence, the clinical significance of this variant remains unclear.